The following is an entry in ClinVar:

NM_001267550.2(TTN):c.40639G>A (p.Glu13547Lys)

Gene: TTN (titin; minus strand). Cytogenetic location: 2q31.2.
Variant type: single nucleotide variant.
Coding change: c.40639G>A on transcript NM_001267550.2 (MANE Select); coding-DNA position 40639, G replaced by A.
Protein change: p.Glu13547Lys; replaces glutamic acid 13547 with lysine.
Molecular consequence: missense variant.
Genome position (GRCh38, 1-based): chr2:178,640,625, C>T on the plus strand (G>A on the coding strand, the complement: TTN is on the minus strand). VCF-style: chr2-178640625-C-T. GRCh37 (hg19) VCF-style: chr2-179505352-C-T.
Other names: c.35716G>A, p.Glu11906Lys (NM_001256850.1); c.13444G>A, p.Glu4482Lys (NM_003319.4); c.32935G>A, p.Glu10979Lys (NM_133378.4); c.13819G>A, p.Glu4607Lys (NM_133432.3); c.14020G>A, p.Glu4674Lys (NM_133437.4); short protein forms E10979K, E13547K, E11906K, E4607K, E4482K, E4674K.
Identifiers: ClinVar variation 191973 (VCV000191973.2), dbSNP rs200592069, ClinGen allele CA238001.

ClinVar aggregate classification (germline): Uncertain significance. Review status: criteria provided, multiple submitters, no conflicts (2 of 4 stars). 2 submissions from 2 submitters: Uncertain significance (2). Last evaluated 2023-12-19.

Allele frequency attached by ClinVar (database versions not stated): gnomAD exomes below 0.00001; gnomAD 0.00001; TOPMed 0.00001.
gnomAD v4.1: 3 of 1,575,928 alleles (0.00019%); highest among the groups gnomAD compares: Non-Finnish European, 0.00026%; no homozygotes.

Submissions (2):

ARUP Laboratories, Molecular Genetics and Genomics, ARUP Laboratories
Classification: Uncertain significance. Last evaluated: 2023-12-19. Review status: criteria provided, single submitter. Criteria: ARUP Molecular Germline Variant Investigation Process 2024. Collection method: clinical testing. Allele origin: germline.
Comment: The TTN c.40639G>A; p.Glu13547Lys variant (rs200592069; ClinVar Variation ID: 191973) is rare in the general population (<0.2% allele frequency in the Genome Aggregation Database) and has not been reported in the medical literature in association with dilated cardiomyopathy (DCM) or other TTN-related disease. The clinical relevance of rare missense variants in this gene, which are identified on average once per individual sequenced in affected populations (Herman 2012), is not well understood. Yet, evidence suggests that the vast majority of such missense variants do not contribute to the clinical outcome of DCM (Begay 2015). Thus, the clinical significance of the p.Glu13547Lys variant cannot be determined with certainty.

Biesecker Lab/Clinical Genomics Section, National Institutes of Health
Classification: Uncertain significance. Last evaluated: 2013-06-24. Review status: criteria provided, single submitter. Criteria: Ng et al. (Circ Cardiovasc Genet. 2013). Collection method: research. Allele origin: unknown. Observed: 1 variant allele. Study: ClinSeq.
Comment: The study set was not selected for affection status in relation to any cancer. Pathogenicity categories were based on literature curation. See Pubmed ID:23861362 for details.

Medical sequencing